The following is an entry in ClinVar:

NM_000552.5(VWF):c.7730-3C>G

Gene: VWF (von Willebrand factor; minus strand). Cytogenetic location: 12p13.31.
Variant type: single nucleotide variant.
Coding change: c.7730-3C>G on transcript NM_000552.5 (MANE Select); 3 bases into the intron before coding-DNA position 7730, C replaced by G.
Molecular consequence: intron variant.
Genome position (GRCh38, 1-based): chr12:5,968,170, G>C on the plus strand (C>G on the coding strand, the complement: VWF is on the minus strand). VCF-style: chr12-5968170-G-C. GRCh37 (hg19) VCF-style: chr12-6077336-G-C.
Other names: p.?.
Identifiers: ClinVar variation 1803115 (VCV001803115.3), dbSNP rs372396117, ClinGen allele CA6401561.

ClinVar aggregate classification (germline): Conflicting classifications of pathogenicity. Review status: criteria provided, conflicting classifications (1 of 4 stars). 2 submissions from 2 submitters: Likely pathogenic (1); Uncertain significance (1). Last evaluated 2025-07-25.

Conditions:
von Willebrand disease type 2 (VWD2). Also called: VON WILLEBRAND DISEASE, TYPE II; VON WILLEBRAND DISEASE, TYPE 2A/IIE; VON WILLEBRAND DISEASE, TYPE 2CB; VWD, TYPE 2. Identifiers: Orphanet 166081, Orphanet 903, MedGen C1264040, MONDO:0013304, OMIM 613554.

gnomAD v4.1: 4 of 1,613,870 alleles (0.00025%); highest among the groups gnomAD compares: African/African-American, 0.0013%; no homozygotes.

Submissions (2):

Mayo Clinic Laboratories, Mayo Clinic
Classification: Likely pathogenic. Last evaluated: 2025-07-25. Review status: criteria provided, single submitter. Criteria: ACMG Guidelines, 2015. Collection method: clinical testing. Allele origin: germline. Observed: 1 variant allele.
Comment: PP3, PM2_supporting, PM3, PS1_supporting, PS4

Genetics and Molecular Pathology, SA Pathology
Classification: Uncertain significance for von Willebrand disease type 2. Last evaluated: 2019-12-30. Review status: criteria provided, single submitter. Criteria: ACMG Guidelines, 2015. Collection method: clinical testing. Allele origin: germline. Inheritance: Autosomal dominant inheritance. Affected: yes.

Literature cited by the submitters: PubMed 35343054 (cited by Mayo Clinic Laboratories, Mayo Clinic).